The following is an entry in ClinVar:

ClinVar aggregate classification (germline): Pathogenic (1 of 4 stars; one submission).

Conditions:
Inborn genetic diseases. Identifiers: MedGen C0950123, MeSH D030342.

Submission:

Ambry Genetics
Classification: Pathogenic for Inborn genetic diseases. Last evaluated: 2023-11-17. Review status: criteria provided, single submitter. Criteria: Ambry Variant Classification Scheme 2023. Collection method: clinical testing. Allele origin: germline.
Comment: The c.1402delG (p.E468Kfs*57) alteration, located in exon 11 (coding exon 10) of the SCN8A gene, consists of a deletion of one nucleotide at position 1402, causing a translational frameshift with a predicted alternate stop codon after 57 amino acids. This alteration is expected to result in loss of function by premature protein truncation or nonsense-mediated mRNA decay._x000D_ _x000D_ for SCN8A-related neurodevelopmental disorder; however, its clinical significance for SCN8A-related seizure disorder is uncertain. This variant was not reported in population-based cohorts in the Genome Aggregation Database (gnomAD). Based on the available evidence, this alteration is classified as pathogenic.

NM_001330260.2(SCN8A):c.1402del (p.Glu468fs)

Gene: SCN8A (sodium voltage-gated channel alpha subunit 8; plus strand). Cytogenetic location: 12q13.13.
Variant type: Deletion.
Coding change: c.1402del on transcript NM_001330260.2 (MANE Select); coding-DNA position 1402, one base deleted (G; older notation c.1402delG).
Protein change: p.Glu468fs; shifts the reading frame from glutamic acid 468.
Molecular consequence: frameshift variant.
Genome position (GRCh38, 1-based): chr12:51,706,482, G deleted. VCF-style (leftmost placement, unchanged base first): chr12-51706481-TG-T. GRCh37 (hg19) VCF-style: chr12-52100265-TG-T.
Other names: c.1402del, p.Glu468fs (NM_001177984.3, NM_001369788.1, NM_014191.4); short protein forms E468fs.
Identifiers: ClinVar variation 3158573 (VCV003158573.1), dbSNP rs2540185916, ClinGen allele CA2825002090.